The following is an entry in ClinVar:

ClinVar aggregate classification (germline): Conflicting classifications of pathogenicity. Review status: criteria provided, conflicting classifications (1 of 4 stars). 4 submissions from 4 submitters: Uncertain significance (1); Likely benign (2). 1 of the submissions does not count toward it. Last evaluated 2024-11-05.

Conditions:
Inborn genetic diseases. Identifiers: MedGen C0950123, MeSH D030342.
DMXL2-related disorder. Also called: DMXL2-related condition.

Allele frequency attached by ClinVar (database versions not stated): TOPMed 0.00010; gnomAD 0.00016 and 0.00019; gnomAD exomes 0.00024 and 0.00031; ExAC 0.00037.
gnomAD v4.1: 369 of 1,613,744 alleles (0.023%); highest among the groups gnomAD compares: South Asian, 0.19%; no homozygotes.

Submissions (4):

Blueprint Genetics
Classification: Likely benign. Last evaluated: 2024-11-05. Review status: criteria provided, single submitter. Criteria: ACMG Guidelines, 2015. Collection method: clinical testing. Allele origin: germline.

Labcorp Genetics (formerly Invitae), Labcorp
Classification: Uncertain significance. Last evaluated: 2022-08-09. Review status: criteria provided, single submitter. Criteria: Invitae Variant Classification Sherloc (09022015). Collection method: clinical testing. Allele origin: germline.
Comment: This sequence change replaces serine, which is neutral and polar, with leucine, which is neutral and non-polar, at codon 1299 of the DMXL2 protein (p.Ser1299Leu). This variant is present in population databases (rs774515934, gnomAD 0.2%). This variant has not been reported in the literature in individuals affected with DMXL2-related conditions. ClinVar contains an entry for this variant (Variation ID: 1489074). Algorithms developed to predict the effect of missense changes on protein structure and function output the following: SIFT: "Tolerated"; PolyPhen-2: "Benign"; Align-GVGD: "Class C0". The leucine amino acid residue is found in multiple mammalian species, which suggests that this missense change does not adversely affect protein function. In summary, the available evidence is currently insufficient to determine the role of this variant in disease. Therefore, it has been classified as a Variant of Uncertain Significance.

Ambry Genetics
Classification: Likely benign for Inborn genetic diseases. Last evaluated: 2022-05-11. Review status: criteria provided, single submitter. Criteria: Ambry Variant Classification Scheme 2023. Collection method: clinical testing. Allele origin: germline.

PreventionGenetics, part of Exact Sciences
Classification: Likely benign for DMXL2-related condition. Last evaluated: 2024-08-19. Review status: no assertion criteria provided. Collection method: clinical testing. Allele origin: germline. Not counted in ClinVar's aggregate classification.
Comment: This variant is classified as likely benign based on ACMG/AMP sequence variant interpretation guidelines (Richards et al. 2015 PMID: 25741868, with internal and published modifications).

NM_001378457.1(DMXL2):c.3896C>T (p.Ser1299Leu)

Gene: DMXL2 (Dmx like 2; minus strand). Cytogenetic location: 15q21.2.
Variant type: single nucleotide variant.
Coding change: c.3896C>T on transcript NM_001378457.1 (MANE Select); coding-DNA position 3896, C replaced by T.
Protein change: p.Ser1299Leu; replaces serine 1299 with leucine.
Molecular consequence: missense variant. On other transcripts: non-coding transcript variant (2), intron variant (2).
Genome position (GRCh38, 1-based): chr15:51,499,328, G>A on the plus strand (C>T on the coding strand, the complement: DMXL2 is on the minus strand). VCF-style: chr15-51499328-G-A. GRCh37 (hg19) VCF-style: chr15-51791525-G-A.
Other names: c.3896C>T, p.Ser1299Leu (NM_001174116.3, NM_001378458.1, NM_001378459.1 and 4 more transcripts); c.3656C>T, p.Ser1219Leu (NM_001378464.1); c.2765-7581C>T (NM_001378460.1); c.2765-4194C>T (NM_001174117.3); c.3896C>T (NM_001174116.1); short protein forms S1299L, S1219L.
Identifiers: ClinVar variation 1489074 (VCV001489074.6), dbSNP rs774515934, ClinGen allele CA7562095.